The following is an entry in ClinVar:

NM_001197104.2(KMT2A):c.10400G>A (p.Gly3467Glu)

Gene: KMT2A (lysine methyltransferase 2A; plus strand). Cytogenetic location: 11q23.3.
Variant type: single nucleotide variant.
Coding change: c.10400G>A on transcript NM_001197104.2 (MANE Select); coding-DNA position 10400, G replaced by A.
Protein change: p.Gly3467Glu; replaces glycine 3467 with glutamic acid.
Molecular consequence: missense variant.
Genome position (GRCh38, 1-based): chr11:118,506,292, G>A. VCF-style: chr11-118506292-G-A. GRCh37 (hg19) VCF-style: chr11-118377007-G-A.
Other names: c.10391G>A, p.Gly3464Glu (NM_005933.4); short protein forms G3467E, G3464E.
Identifiers: ClinVar variation 1386728 (VCV001386728.6), dbSNP rs2134412394, ClinGen allele CA382825640.
Genomic context (GRCh38, chr11:118,506,292, plus strand): 5'-GGGAAGCAGACGAACACTATCAGCTTCAGCATGTGAACCAGCTCCTTGCCAGCAAAACTG[G>A]GATTCATTCTTCCCAGCGTGATCTTGATTCTGCTTCAGGGCCCCAGGTATCCAACTTTAC-3'
Protein context (NP_001184033.1, residues 3457-3477): HVNQLLASKT[Gly3467Glu]IHSSQRDLDS

ClinVar aggregate classification (germline): Uncertain significance (1 of 4 stars; one submission).

Submission:

Labcorp Genetics (formerly Invitae), Labcorp
Classification: Uncertain significance. Last evaluated: 2022-08-10. Review status: criteria provided, single submitter. Criteria: Invitae Variant Classification Sherloc (09022015). Collection method: clinical testing. Allele origin: germline.
Comment: In summary, the available evidence is currently insufficient to determine the role of this variant in disease. Therefore, it has been classified as a Variant of Uncertain Significance. Advanced modeling of protein sequence and biophysical properties (such as structural, functional, and spatial information, amino acid conservation, physicochemical variation, residue mobility, and thermodynamic stability) performed at Invitae indicates that this missense variant is not expected to disrupt KMT2A protein function. ClinVar contains an entry for this variant (Variation ID: 1386728). This variant has not been reported in the literature in individuals affected with KMT2A-related conditions. This variant is not present in population databases (gnomAD no frequency). This sequence change replaces glycine, which is neutral and non-polar, with glutamic acid, which is acidic and polar, at codon 3467 of the KMT2A protein (p.Gly3467Glu).